The following is an entry in ClinVar:

ClinVar aggregate classification (germline): Uncertain significance. Review status: criteria provided, multiple submitters, no conflicts (2 of 4 stars). 2 submissions from 2 submitters: Uncertain significance (2). Last evaluated 2024-08-28.

Allele frequency attached by ClinVar (database versions not stated): ESP Exome Variant Server 0.00008.

Submissions (2):

Labcorp Genetics (formerly Invitae), Labcorp
Classification: Uncertain significance. Last evaluated: 2024-08-28. Review status: criteria provided, single submitter. Criteria: Invitae Variant Classification Sherloc (09022015). Collection method: clinical testing. Allele origin: germline.
Comment: This sequence change replaces threonine, which is neutral and polar, with methionine, which is neutral and non-polar, at codon 427 of the FUK protein (p.Thr427Met). The frequency data for this variant in the population databases is considered unreliable, as metrics indicate poor data quality at this position in the gnomAD database. This variant has not been reported in the literature in individuals affected with FUK-related conditions. An algorithm developed to predict the effect of missense changes on protein structure and function outputs the following: PolyPhen-2: "Benign". The methionine amino acid residue is found in multiple mammalian species, which suggests that this missense change does not adversely affect protein function. In summary, the available evidence is currently insufficient to determine the role of this variant in disease. Therefore, it has been classified as a Variant of Uncertain Significance.

Ambry Genetics
Classification: Uncertain significance. Last evaluated: 2024-08-27. Review status: criteria provided, single submitter. Criteria: Ambry Variant Classification Scheme 2023. Collection method: clinical testing. Allele origin: germline.

NM_145059.3(FCSK):c.1280C>T (p.Thr427Met)

Gene: FCSK (fucose kinase; plus strand). Cytogenetic location: 16q22.1.
Variant type: single nucleotide variant.
Coding change: c.1280C>T on transcript NM_145059.3 (MANE Select); coding-DNA position 1280, C replaced by T.
Protein change: p.Thr427Met; replaces threonine 427 with methionine.
Molecular consequence: missense variant.
Genome position (GRCh38, 1-based): chr16:70,471,291, C>T. VCF-style: chr16-70471291-C-T. GRCh37 (hg19) VCF-style: chr16-70505194-C-T.
Other names: c.1280C>T (NM_145059.2); short protein forms T427M.
Identifiers: ClinVar variation 2891606 (VCV002891606.4), dbSNP rs376353924, ClinGen allele CA8143262.